The following is an entry in ClinVar:

NM_020549.5(CHAT):c.1441dup (p.Arg481fs)

Gene: CHAT (choline O-acetyltransferase; plus strand). Cytogenetic location: 10q11.23.
Variant type: Duplication.
Coding change: c.1441dup on transcript NM_020549.5 (MANE Select); coding-DNA position 1441, one base duplicated (C; older notation c.1441dupC).
Protein change: p.Arg481fs; shifts the reading frame from arginine 481.
Molecular consequence: frameshift variant.
Genome position (GRCh38, 1-based): chr10:49,649,566, C duplicated; the last of 6 consecutive C bases (chr10:49,649,561-49,649,566); duplicating any one gives the same sequence. VCF-style (leftmost placement, unchanged base first): chr10-49649560-G-GC. GRCh37 (hg19) VCF-style: chr10-50857606-G-GC.
Other names: c.1087dup, p.Arg363fs (NM_001142929.2, NM_001142934.2, NM_020984.4 and 2 more transcripts); c.1195dup, p.Arg399fs (NM_001142933.2); short protein forms R363fs, R399fs, R481fs.
Identifiers: ClinVar variation 2680729 (VCV002680729.4), dbSNP rs773268576, ClinGen allele CA5497499.

ClinVar aggregate classification (germline): Pathogenic/Likely pathogenic. Review status: criteria provided, multiple submitters, no conflicts (2 of 4 stars). 2 submissions from 2 submitters: Pathogenic (1); Likely pathogenic (1). Last evaluated 2024-02-06.

Conditions:
Familial infantile myasthenia (CMS6). Also called: MYASTHENIC SYNDROME, PRESYNAPTIC, CONGENITAL, ASSOCIATED WITH EPISODIC APNEA; Congenital myasthenic syndrome type 6; MYASTHENIC SYNDROME, CONGENITAL, 6, PRESYNAPTIC. Identifiers: Orphanet 590, MedGen C0393929, MONDO:0009689, OMIM 254210.

Submissions (2):

Labcorp Genetics (formerly Invitae), Labcorp
Classification: Pathogenic for Familial infantile myasthenia. Last evaluated: 2024-02-06. Review status: criteria provided, single submitter. Criteria: Invitae Variant Classification Sherloc (09022015). Collection method: clinical testing. Allele origin: germline.
Comment: This sequence change creates a premature translational stop signal (p.Arg481Profs*30) in the CHAT gene. It is expected to result in an absent or disrupted protein product. Loss-of-function variants in CHAT are known to be pathogenic (PMID: 12548525, 21786365, 23292760). This variant is not present in population databases (gnomAD no frequency). This variant has not been reported in the literature in individuals affected with CHAT-related conditions. For these reasons, this variant has been classified as Pathogenic.

Baylor Genetics
Classification: Likely pathogenic for Familial infantile myasthenia. Last evaluated: 2023-10-11. Review status: criteria provided, single submitter. Criteria: ACMG Guidelines, 2015. Collection method: clinical testing. Allele origin: unknown.

Literature cited by the submitters: PubMed 12548525 (cited by Labcorp Genetics (formerly Invitae), Labcorp); PubMed 21786365 (cited by Labcorp Genetics (formerly Invitae), Labcorp); PubMed 23292760 (cited by Labcorp Genetics (formerly Invitae), Labcorp).